The following is an entry in ClinVar:

NM_000891.3(KCNJ2):c.845T>G (p.Leu282Trp)

Gene: KCNJ2 (potassium inwardly rectifying channel subfamily J member 2; plus strand). Cytogenetic location: 17q24.3.
Variant type: single nucleotide variant.
Coding change: c.845T>G on transcript NM_000891.3 (MANE Select); coding-DNA position 845, T replaced by G.
Protein change: p.Leu282Trp; replaces leucine 282 with tryptophan.
Molecular consequence: missense variant.
Genome position (GRCh38, 1-based): chr17:70,175,884, T>G. VCF-style: chr17-70175884-T-G. GRCh37 (hg19) VCF-style: chr17-68172025-T-G.
Other names: short protein forms L282W.
Identifiers: ClinVar variation 468468 (VCV000468468.17), dbSNP rs758092571, ClinGen allele CA8738768.
Genomic context (GRCh38, chr17:70,175,884, plus strand): 5'-TTCTGGTGTCCCCAATCACTATAGTCCATGAAATAGATGAAGACAGTCCTTTATATGATT[T>G]GAGTAAACAGGACATTGACAACGCAGACTTTGAAATCGTGGTCATACTGGAAGGCATGGT-3'
Protein context (NP_000882.1, residues 272-292): EIDEDSPLYD[Leu282Trp]SKQDIDNADF

ClinVar aggregate classification (germline): Conflicting classifications of pathogenicity. Review status: criteria provided, conflicting classifications (1 of 4 stars). 7 submissions from 5 submitters: Uncertain significance (6); Likely benign (1). Last evaluated 2025-07-24.

Conditions:
Short QT syndrome type 3. Identifiers: Orphanet 51083, MedGen C1865018, MONDO:0012314, OMIM 609622.
Andersen Tawil syndrome (LQT7). Also called: ANDERSEN CARDIODYSRHYTHMIC PERIODIC PARALYSIS; LONG QT SYNDROME 7; PERIODIC PARALYSIS, POTASSIUM-SENSITIVE CARDIODYSRHYTHMIC TYPE; Andersen Syndrome; Potassium-sensitive periodic paralysis, ventricular ectopy, and dysmorphic features. Identifiers: Orphanet 37553, MedGen C1563715, MONDO:0008222, OMIM 170390.
Cardiovascular phenotype. Identifiers: MedGen CN230736.
Atrial fibrillation, familial, 9 (ATFB9). Identifiers: MedGen C3151431, MONDO:0013513, OMIM 613980.

Allele frequency attached by ClinVar (database versions not stated): ExAC 0.00001; gnomAD 0.00001; TOPMed 0.00001; gnomAD exomes 0.00002.
gnomAD v4.1: 28 of 1,614,044 alleles (0.0017%); highest among the groups gnomAD compares: Middle Eastern, 0.016%; no homozygotes.

Submissions (7):

Labcorp Genetics (formerly Invitae), Labcorp
Classification: Uncertain significance for Short QT syndrome type 3; Andersen Tawil syndrome. Last evaluated: 2025-07-24. Review status: criteria provided, single submitter. Criteria: Invitae Variant Classification Sherloc (09022015). Collection method: clinical testing. Allele origin: germline.
Comment: This sequence change replaces leucine, which is neutral and non-polar, with tryptophan, which is neutral and slightly polar, at codon 282 of the KCNJ2 protein (p.Leu282Trp). This variant is present in population databases (rs758092571, gnomAD 0.004%). This missense change has been observed in individual(s) with sudden death (PMID: 31534214). ClinVar contains an entry for this variant (Variation ID: 468468). Invitae Evidence Modeling of protein sequence and biophysical properties (such as structural, functional, and spatial information, amino acid conservation, physicochemical variation, residue mobility, and thermodynamic stability) indicates that this missense variant is not expected to disrupt KCNJ2 protein function with a negative predictive value of 95%. In summary, the available evidence is currently insufficient to determine the role of this variant in disease. Therefore, it has been classified as a Variant of Uncertain Significance.

Ambry Genetics
Classification: Likely benign for Cardiovascular phenotype. Last evaluated: 2023-03-24. Review status: criteria provided, single submitter. Criteria: Ambry Variant Classification Scheme 2023. Collection method: clinical testing. Allele origin: germline.

AiLife Diagnostics
Classification: Uncertain significance. Last evaluated: 2021-10-04. Review status: criteria provided, single submitter. Criteria: ACMG Guidelines, 2015. Collection method: clinical testing. Allele origin: germline. Affected: yes. Observed: 1 variant allele.

Revvity Omics, Revvity
Classification: Uncertain significance. Last evaluated: 2019-11-20. Review status: criteria provided, single submitter. Criteria: ACMG Guidelines, 2015. Collection method: clinical testing. Allele origin: germline.

Illumina Laboratory Services, Illumina
Classification: Uncertain significance for Andersen Tawil syndrome. Last evaluated: 2018-01-13. Review status: criteria provided, single submitter. Criteria: ICSL Variant Classification Criteria 13 December 2019. Collection method: clinical testing. Allele origin: germline.

Illumina Laboratory Services, Illumina
Classification: Uncertain significance for Short QT syndrome type 3. Last evaluated: 2018-01-13. Review status: criteria provided, single submitter. Criteria: ICSL Variant Classification Criteria 13 December 2019. Collection method: clinical testing. Allele origin: germline.

Illumina Laboratory Services, Illumina
Classification: Uncertain significance for Atrial fibrillation, familial, 9. Last evaluated: 2018-01-13. Review status: criteria provided, single submitter. Criteria: ICSL Variant Classification Criteria 13 December 2019. Collection method: clinical testing. Allele origin: germline.

Literature cited by the submitters: PubMed 31534214 (cited by 3 submitters).